The following is an entry in ClinVar:

ClinVar aggregate classification (germline): Likely benign. Review status: criteria provided, multiple submitters, no conflicts (2 of 4 stars). 4 submissions from 4 submitters: Likely benign (3). 1 of the submissions does not count toward it. Last evaluated 2025-12-08.

Conditions:
PCNT-related disorder. Also called: PCNT-related condition.

Allele frequency attached by ClinVar (database versions not stated): gnomAD 0.00007 and 0.00008; TOPMed 0.00010; gnomAD exomes 0.00014; ExAC 0.00016; ESP Exome Variant Server 0.00031.
gnomAD v4.1: 124 of 1,613,048 alleles (0.0077%); highest among the groups gnomAD compares: Middle Eastern, 0.13%; no homozygotes.

Submissions (4):

Labcorp Genetics (formerly Invitae), Labcorp
Classification: Likely benign. Last evaluated: 2025-12-08. Review status: criteria provided, single submitter. Criteria: Invitae Variant Classification Sherloc (09022015). Collection method: clinical testing. Allele origin: germline.

Blueprint Genetics
Classification: Likely benign. Last evaluated: 2024-06-11. Review status: criteria provided, single submitter. Criteria: ACMG Guidelines, 2015. Collection method: clinical testing. Allele origin: germline.

CeGaT Center for Human Genetics Tuebingen
Classification: Likely benign. Last evaluated: 2023-10-01. Review status: criteria provided, single submitter. Criteria: CeGaT Center For Human Genetics Tuebingen Variant Classification Criteria Version 2. Collection method: clinical testing. Allele origin: germline. Affected: yes. Observed: 1 variant allele.
Comment: PCNT: BP4, BP7

PreventionGenetics, part of Exact Sciences
Classification: Likely benign for PCNT-related condition. Last evaluated: 2019-05-07. Review status: no assertion criteria provided. Collection method: clinical testing. Allele origin: germline. Not counted in ClinVar's aggregate classification.
Comment: This variant is classified as likely benign based on ACMG/AMP sequence variant interpretation guidelines (Richards et al. 2015 PMID: 25741868, with internal and published modifications).

NM_006031.6(PCNT):c.3144C>T (p.His1048=)

Gene: PCNT (pericentrin; plus strand). Cytogenetic location: 21q22.3.
Variant type: single nucleotide variant.
Coding change: c.3144C>T on transcript NM_006031.6 (MANE Select); coding-DNA position 3144, C replaced by T.
Protein change: p.His1048=; no amino-acid change (histidine 1048 retained).
Molecular consequence: synonymous variant.
Genome position (GRCh38, 1-based): chr21:46,367,118, C>T. VCF-style: chr21-46367118-C-T. GRCh37 (hg19) VCF-style: chr21-47787033-C-T.
Other names: c.2790C>T, p.His930= (NM_001315529.2); c.3144C>T (NM_006031.5).
Identifiers: ClinVar variation 1621435 (VCV001621435.34), dbSNP rs139345424, ClinGen allele CA10079185.